The following is an entry in ClinVar:

ClinVar aggregate classification (germline): Uncertain significance. Review status: criteria provided, multiple submitters, no conflicts (2 of 4 stars). 3 submissions from 3 submitters: Uncertain significance (3). Last evaluated 2024-12-16.

Conditions:
Inborn genetic diseases. Identifiers: MedGen C0950123, MeSH D030342.
Intestinal hypomagnesemia 1. Also called: HYPOMAGNESEMIA, INTESTINAL, WITH SECONDARY HYPOCALCEMIA; HYPOMAGNESEMIC TETANY. Identifiers: Orphanet 30924, MedGen C1865974, MONDO:0011176, OMIM 602014.

Allele frequency attached by ClinVar (database versions not stated): gnomAD 0.00001; TOPMed 0.00003; gnomAD exomes 0.00004 and 0.00006; ExAC 0.00006; ESP Exome Variant Server 0.00008; 1000 Genomes Project 30x 0.00016; 1000 Genomes Project 0.00020.
gnomAD v4.1: 81 of 1,614,196 alleles (0.005%); highest among the groups gnomAD compares: Non-Finnish European, 0.0069%; no homozygotes.

Submissions (3):

Ambry Genetics
Classification: Uncertain significance for Inborn genetic diseases. Last evaluated: 2024-12-16. Review status: criteria provided, single submitter. Criteria: Ambry Variant Classification Scheme 2023. Collection method: clinical testing. Allele origin: germline.

Labcorp Genetics (formerly Invitae), Labcorp
Classification: Uncertain significance. Last evaluated: 2024-10-15. Review status: criteria provided, single submitter. Criteria: Invitae Variant Classification Sherloc (09022015). Collection method: clinical testing. Allele origin: germline.
Comment: This sequence change replaces alanine, which is neutral and non-polar, with threonine, which is neutral and polar, at codon 1507 of the TRPM6 protein (p.Ala1507Thr). This variant is present in population databases (rs201465026, gnomAD 0.008%). This variant has not been reported in the literature in individuals affected with TRPM6-related conditions. ClinVar contains an entry for this variant (Variation ID: 1387772). An algorithm developed to predict the effect of missense changes on protein structure and function outputs the following: PolyPhen-2: "Benign". The threonine amino acid residue is found in multiple mammalian species, which suggests that this missense change does not adversely affect protein function. In summary, the available evidence is currently insufficient to determine the role of this variant in disease. Therefore, it has been classified as a Variant of Uncertain Significance.

Fulgent Genetics
Classification: Uncertain significance for Intestinal hypomagnesemia 1. Last evaluated: 2021-12-08. Review status: criteria provided, single submitter. Criteria: ACMG Guidelines, 2015. Collection method: clinical testing. Allele origin: unknown.

NM_017662.5(TRPM6):c.4519G>A (p.Ala1507Thr)

Gene: TRPM6 (transient receptor potential cation channel subfamily M member 6; minus strand). Cytogenetic location: 9q21.13.
Variant type: single nucleotide variant.
Coding change: c.4519G>A on transcript NM_017662.5 (MANE Select); coding-DNA position 4519, G replaced by A.
Protein change: p.Ala1507Thr; replaces alanine 1507 with threonine.
Molecular consequence: missense variant.
Genome position (GRCh38, 1-based): chr9:74,762,152, C>T on the plus strand (G>A on the coding strand, the complement: TRPM6 is on the minus strand). VCF-style: chr9-74762152-C-T. GRCh37 (hg19) VCF-style: chr9-77377068-C-T.
Other names: c.4504G>A, p.Ala1502Thr (NM_001177310.2, NM_001177311.2); c.4519G>A (NM_017662.4); short protein forms A1502T, A1507T.
Identifiers: ClinVar variation 1387772 (VCV001387772.8), dbSNP rs201465026, ClinGen allele CA5084103.